The following is an entry in ClinVar:

ClinVar aggregate classification (germline): Pathogenic. Review status: reviewed by expert panel (3 of 4 stars). 4 submissions from 4 submitters: Pathogenic (1). 3 of the submissions do not count toward it. Last evaluated 2017-12-15.

Conditions:
Hereditary cancer-predisposing syndrome. Also called: Neoplastic Syndromes, Hereditary; Hereditary neoplastic syndrome; Tumor predisposition; Hereditary Cancer Syndrome. Identifiers: Orphanet 140162, MedGen C0027672, MeSH D009386, MONDO:0015356.
Hereditary breast ovarian cancer syndrome. Also called: Hereditary breast and ovarian cancer; Hereditary breast and/or ovarian cancer syndrome; Hereditary breast and ovarian cancer syndrome (HBOC); Breast and ovarian cancer; BRCA1- and BRCA2-Associated Hereditary Breast and Ovarian Cancer; Hereditary breast and ovarian cancer syndrome. Identifiers: Orphanet 145, MedGen C0677776, MeSH D061325, MONDO:0003582. Disease mechanism: loss of function.
Familial cancer of breast. Also called: BREAST CANCER, FAMILIAL; Hereditary breast cancer; hereditary breast carcinoma. Identifiers: Orphanet 227535, MedGen C0346153, MONDO:0016419, OMIM 114480. Disease mechanism: loss of function.
Breast-ovarian cancer, familial, susceptibility to, 2 (BROVCA2). Also called: BRCA2 Hereditary Breast and Ovarian Cancer. Identifiers: Orphanet 145, MedGen C2675520, MONDO:0012933, OMIM 612555. Disease mechanism: loss of function.

Submissions (4):

Evidence-based Network for the Interpretation of Germline Mutant Alleles (ENIGMA)
Classification: Pathogenic for Breast-ovarian cancer, familial, susceptibility to, 2. Last evaluated: 2017-12-15. Review status: reviewed by expert panel. Criteria: ENIGMA BRCA1/2 Classification Criteria (2017-06-29). Collection method: curation. Allele origin: germline. Study: ENIGMA.
Comment: Variant allele predicted to encode a truncated non-functional protein.

Labcorp Genetics (formerly Invitae), Labcorp
Classification: Pathogenic for Hereditary breast ovarian cancer syndrome. Last evaluated: 2025-10-18. Review status: criteria provided, single submitter. Criteria: Invitae Variant Classification Sherloc (09022015). Collection method: clinical testing. Allele origin: germline. Not counted in ClinVar's aggregate classification.
Comment: This sequence change creates a premature translational stop signal (p.Cys711*) in the BRCA2 gene. It is expected to result in an absent or disrupted protein product. Loss-of-function variants in BRCA2 are known to be pathogenic (PMID: 20104584). This variant is not present in population databases (gnomAD no frequency). This premature translational stop signal has been observed in individual(s) with BRCA2-related conditions (PMID: 21520333, 30103829, 32341426). ClinVar contains an entry for this variant (Variation ID: 548419). For these reasons, this variant has been classified as Pathogenic.

Ambry Genetics
Classification: Pathogenic for Hereditary cancer-predisposing syndrome. Last evaluated: 2025-04-02. Review status: criteria provided, single submitter. Criteria: Ambry Variant Classification Scheme 2023. Collection method: clinical testing. Allele origin: germline. Not counted in ClinVar's aggregate classification.
Comment: The p.C711* pathogenic mutation (also known as c.2133C>A), located in coding exon 10 of the BRCA2 gene, results from a C to A substitution at nucleotide position 2133. This changes the amino acid from a cysteine to a stop codon within coding exon 10. This alteration has been identified in multiple individuals diagnosed with breast and/or ovarian cancer (Yang D et al. JAMA, 2011 Oct;306:1557-65; Cardoso FC et al. Hum Genomics, 2018 Aug;12:39; De Talhouet S et al. Sci Rep, 2020 Apr;10:7073). This variant is considered to be rare based on population cohorts in the Genome Aggregation Database (gnomAD). This alteration is expected to result in loss of function by premature protein truncation or nonsense-mediated mRNA decay. As such, this alteration is interpreted as a disease-causing mutation.

Baylor Genetics
Classification: Pathogenic for Familial cancer of breast. Last evaluated: 2022-12-02. Review status: criteria provided, single submitter. Criteria: ACMG Guidelines, 2015. Collection method: clinical testing. Allele origin: unknown. Not counted in ClinVar's aggregate classification.

Literature cited by the submitters: PubMed 20104584 (cited by Labcorp Genetics (formerly Invitae), Labcorp); PubMed 21520333 (cited by Labcorp Genetics (formerly Invitae), Labcorp); PubMed 30103829 (cited by Labcorp Genetics (formerly Invitae), Labcorp and Ambry Genetics); PubMed 32341426 (cited by Labcorp Genetics (formerly Invitae), Labcorp and Ambry Genetics); PubMed 21990299 (cited by Ambry Genetics).

NM_000059.4(BRCA2):c.2133C>A (p.Cys711Ter)

Gene: BRCA2 (BRCA2 DNA repair associated; plus strand). Cytogenetic location: 13q13.1.
Variant type: single nucleotide variant.
Coding change: c.2133C>A on transcript NM_000059.4 (MANE Select); coding-DNA position 2133, C replaced by A.
Protein change: p.Cys711Ter; replaces cysteine 711 with a stop codon.
Molecular consequence: nonsense.
Genome position (GRCh38, 1-based): chr13:32,336,488, C>A. VCF-style: chr13-32336488-C-A. GRCh37 (hg19) VCF-style: chr13-32910625-C-A.
Other names: short protein forms C711*.
Identifiers: ClinVar variation 548419 (VCV000548419.12), dbSNP rs535547513, ClinGen allele CA387770089.
Genomic context (GRCh38, chr13:32,336,488, plus strand): 5'-AAAATGTAATAAGGAAAAACTACAGTTATTTATTACCCCAGAAGCTGATTCTCTGTCATG[C>A]CTGCAGGAAGGACAGTGTGAAAATGATCCAAAAAGCAAAAAAGTTTCAGATATAAAAGAA-3'